The following is an entry in ClinVar:

NM_004168.4(SDHA):c.1608T>G (p.Cys536Trp)

Gene: SDHA (succinate dehydrogenase complex flavoprotein subunit A; plus strand). Cytogenetic location: 5p15.33.
Variant type: single nucleotide variant.
Coding change: c.1608T>G on transcript NM_004168.4 (MANE Select); coding-DNA position 1608, T replaced by G.
Protein change: p.Cys536Trp; replaces cysteine 536 with tryptophan.
Molecular consequence: missense variant. On other transcripts: intron variant (1).
Genome position (GRCh38, 1-based): chr5:251,048, T>G. VCF-style: chr5-251048-T-G. GRCh37 (hg19) VCF-style: chr5-251163-T-G.
Other names: c.1608T>G (NM_004168.2); c.1464T>G, p.Cys488Trp (NM_001294332.2); c.1552-3345T>G (NM_001330758.2); short protein forms C536W, C488W.
Identifiers: ClinVar variation 2939573 (VCV002939573.4), dbSNP rs2477454907, ClinGen allele CA358998557.
Genomic context (GRCh38, chr5:251,048, plus strand): 5'-ACAGTCAATGCAAAATCATGCTGCCGTGTTCCGTGTGGGAAGCGTGTTGCAAGAAGGTTG[T>G]GGGAAAATCAGCAAGCTCTATGGAGACCTAAAGCACCTGAAGACGTTCGACCGGGGTGAG-3'
Protein context (NP_004159.2, residues 526-546): FRVGSVLQEG[Cys536Trp]GKISKLYGDL

ClinVar aggregate classification (germline): Uncertain significance. Review status: criteria provided, multiple submitters, no conflicts (2 of 4 stars). 2 submissions from 2 submitters: Uncertain significance (2). Last evaluated 2026-06-12.

Conditions:
Hereditary cancer-predisposing syndrome. Also called: Neoplastic Syndromes, Hereditary; Tumor predisposition; Hereditary Cancer Syndrome; Hereditary neoplastic syndrome. Identifiers: Orphanet 140162, MedGen C0027672, MeSH D009386, MONDO:0015356.
Mitochondrial complex II deficiency, nuclear type 1. Also called: SUCCINATE CoQ REDUCTASE DEFICIENCY. Identifiers: Orphanet 3208, MedGen C5700310, MONDO:0100294, OMIM 252011.
Pheochromocytoma/paraganglioma syndrome 5. Also called: Paragangliomas 5; SDHA-Related Hereditary Paraganglioma-Pheochromocytoma Syndrome. Identifiers: Orphanet 29072, MedGen C3279992, MONDO:0013602, OMIM 614165.

Submissions (2):

Ambry Genetics
Classification: Uncertain significance for Hereditary cancer-predisposing syndrome. Last evaluated: 2026-06-12. Review status: criteria provided, single submitter. Criteria: Ambry Variant Classification Scheme 2023. Collection method: clinical testing. Allele origin: germline.
Comment: The p.C536W variant (also known as c.1608T>G), located in coding exon 12 of the SDHA gene, results from a T to G substitution at nucleotide position 1608. The cysteine at codon 536 is replaced by tryptophan, an amino acid with highly dissimilar properties. This amino acid position is highly conserved in available vertebrate species. In addition, the in silico prediction for this alteration is inconclusive. Based on the available evidence, the clinical significance of this variant remains unclear.

Labcorp Genetics (formerly Invitae), Labcorp
Classification: Uncertain significance for Pheochromocytoma/paraganglioma syndrome 5; Mitochondrial complex II deficiency, nuclear type 1. Last evaluated: 2026-01-18. Review status: criteria provided, single submitter. Criteria: Invitae Variant Classification Sherloc (09022015). Collection method: clinical testing. Allele origin: germline.
Comment: This sequence change replaces cysteine, which is neutral and slightly polar, with tryptophan, which is neutral and slightly polar, at codon 536 of the SDHA protein (p.Cys536Trp). This variant is not present in population databases (gnomAD no frequency). This variant has not been reported in the literature in individuals affected with SDHA-related conditions. ClinVar contains an entry for this variant (Variation ID: 2939573). Invitae Evidence Modeling of protein sequence and biophysical properties (such as structural, functional, and spatial information, amino acid conservation, physicochemical variation, residue mobility, and thermodynamic stability) has been performed for this missense variant. However, the output from this modeling did not meet the statistical confidence thresholds required to predict the impact of this variant on SDHA protein function. In summary, the available evidence is currently insufficient to determine the role of this variant in disease. Therefore, it has been classified as a Variant of Uncertain Significance.